The following is an entry in ClinVar:

NM_001184880.2(PCDH19):c.514G>T (p.Glu172Ter)

Gene: PCDH19 (protocadherin 19; minus strand). Cytogenetic location: Xq22.1.
Variant type: single nucleotide variant.
Coding change: c.514G>T on transcript NM_001184880.2 (MANE Select); coding-DNA position 514, G replaced by T.
Protein change: p.Glu172Ter; replaces glutamic acid 172 with a stop codon.
Molecular consequence: nonsense.
Genome position (GRCh38, 1-based): chrX:100,408,084, C>A on the plus strand (G>T on the coding strand, the complement: PCDH19 is on the minus strand). VCF-style: chrX-100408084-C-A. GRCh37 (hg19) VCF-style: chrX-99663082-C-A.
Other names: c.514G>T, p.Glu172Ter (NM_001105243.2, NM_020766.3); short protein forms E172*.
Identifiers: ClinVar variation 952377 (VCV000952377.8), dbSNP rs1928454112, ClinGen allele CA414009463.

ClinVar aggregate classification (germline): Pathogenic (1 of 4 stars; one submission).

Conditions:
Developmental and epileptic encephalopathy, 9 (DEE9). Also called: Early infantile epileptic encephalopathy 9; EPILEPSY, FEMALE-RESTRICTED, WITH MENTAL RETARDATION; JUBERG-HELLMAN SYNDROME; PCDH19-Related X-Linked Female-Limited Epilepsy with Mental Retardation. Identifiers: Orphanet 101039, Orphanet 2076, MedGen C1848137, MONDO:0010246, OMIM 300088. Disease mechanism: loss of function.

Submission:

Labcorp Genetics (formerly Invitae), Labcorp
Classification: Pathogenic for Developmental and epileptic encephalopathy, 9. Last evaluated: 2022-08-22. Review status: criteria provided, single submitter. Criteria: Invitae Variant Classification Sherloc (09022015). Collection method: clinical testing. Allele origin: germline.
Comment: For these reasons, this variant has been classified as Pathogenic. ClinVar contains an entry for this variant (Variation ID: 952377). This variant has not been reported in the literature in individuals affected with PCDH19-related conditions. This variant is not present in population databases (gnomAD no frequency). This sequence change creates a premature translational stop signal (p.Glu172*) in the PCDH19 gene. It is expected to result in an absent or disrupted protein product. Loss-of-function variants in PCDH19 are known to be pathogenic (PMID: 21053371).

Literature cited by the submitters: PubMed 21053371.